The following is an entry in ClinVar:

ClinVar aggregate classification (germline): Likely benign. Review status: criteria provided, multiple submitters, no conflicts (2 of 4 stars). 3 submissions from 3 submitters: Likely benign (3). Last evaluated 2018-06-23.

Conditions:
Neuronal ceroid lipofuscinosis 3 (CLN3). Identifiers: Orphanet 228346, MedGen C0751383, MONDO:0008767, OMIM 204200.

Allele frequency attached by ClinVar (database versions not stated): gnomAD 0.00886; TOPMed 0.01179; 1000 Genomes Project 0.01278; 1000 Genomes Project 30x 0.01280.

Submissions (3):

GeneDx
Classification: Likely benign. Last evaluated: 2018-06-23. Review status: criteria provided, single submitter. Criteria: GeneDx Variant Classification Process June 2021. Collection method: clinical testing. Allele origin: germline. Affected: yes.

Illumina Laboratory Services, Illumina
Classification: Likely benign for Neuronal ceroid lipofuscinosis 3. Last evaluated: 2017-04-27. Review status: criteria provided, single submitter. Criteria: ICSL Variant Classification Criteria 13 December 2019. Collection method: clinical testing. Allele origin: germline.
Comment: This variant was observed as part of a predisposition screen in an ostensibly healthy population. A literature search was performed for the gene, cDNA change, and amino acid change (where applicable). No publications were found based on this search. Allele frequency data from public databases allowed determination this variant is unlikely to cause disease. Therefore, this variant is classified as likely benign.

Breakthrough Genomics
Classification: Likely benign. Review status: criteria provided, single submitter. Criteria: ACMG Guidelines, 2015. Collection method: not provided. Allele origin: germline. Inheritance: Autosomal recessive inheritance. Affected: yes.

NM_001042432.2(CLN3):c.*155A>C

Gene: CLN3 (CLN3 lysosomal/endosomal transmembrane protein, battenin; minus strand). Cytogenetic location: 16p12.1.
Variant type: single nucleotide variant.
Coding change: c.*155A>C on transcript NM_001042432.2 (MANE Select); 155 bases downstream of the stop codon, A replaced by C.
Molecular consequence: 3 prime UTR variant. On other transcripts: intron variant (1).
Genome position (GRCh38, 1-based): chr16:28,477,361, T>G on the plus strand (A>C on the coding strand, the complement: CLN3 is on the minus strand). VCF-style: chr16-28477361-T-G. GRCh37 (hg19) VCF-style: chr16-28488682-T-G.
Other names: c.*155A>C (NM_000086.2, NM_001286104.2, NM_001286105.2 and 1 more transcripts); c.*52+103A>C (NM_001286109.2).
Identifiers: ClinVar variation 318711 (VCV000318711.9), dbSNP rs113112766, ClinGen allele CA10643341.